The following is an entry in ClinVar:

ClinVar aggregate classification (germline): Uncertain significance (1 of 4 stars; one submission).

Conditions:
Myofibrillar myopathy 5. Also called: FILAMINOPATHY, AUTOSOMAL DOMINANT; Filaminopathy (type). Identifiers: Orphanet 171445, MedGen C1836050, MONDO:0012289, OMIM 609524.
Distal myopathy with posterior leg and anterior hand involvement. Also called: WILLIAMS DISTAL MYOPATHY. Identifiers: Orphanet 63273, MedGen C3279722, MONDO:0013550, OMIM 614065.
Hypertrophic cardiomyopathy 26. Also called: Cardiomyopathy, familial hypertrophic, 26. Identifiers: Orphanet 75249, MedGen C4310749, MONDO:0014883, OMIM 617047.

Allele frequency attached by ClinVar (database versions not stated): TOPMed below 0.00001.

Submission:

Labcorp Genetics (formerly Invitae), Labcorp
Classification: Uncertain significance for Distal myopathy with posterior leg and anterior hand involvement; Myofibrillar myopathy 5; Hypertrophic cardiomyopathy 26. Last evaluated: 2022-05-04. Review status: criteria provided, single submitter. Criteria: Invitae Variant Classification Sherloc (09022015). Collection method: clinical testing. Allele origin: germline.
Comment: In summary, the available evidence is currently insufficient to determine the role of this variant in disease. Therefore, it has been classified as a Variant of Uncertain Significance. Algorithms developed to predict the effect of missense changes on protein structure and function are either unavailable or do not agree on the potential impact of this missense change (SIFT: "Deleterious"; PolyPhen-2: "Probably Damaging"; Align-GVGD: "Class C0"). This variant has not been reported in the literature in individuals affected with FLNC-related conditions. This variant is not present in population databases (gnomAD no frequency). This sequence change replaces aspartic acid, which is acidic and polar, with valine, which is neutral and non-polar, at codon 1592 of the FLNC protein (p.Asp1592Val).

NM_001458.5(FLNC):c.4775A>T (p.Asp1592Val)

Gene: FLNC (filamin C; plus strand). Cytogenetic location: 7q32.1.
Variant type: single nucleotide variant.
Coding change: c.4775A>T on transcript NM_001458.5 (MANE Select); coding-DNA position 4775, A replaced by T.
Protein change: p.Asp1592Val; replaces aspartic acid 1592 with valine.
Molecular consequence: missense variant.
Genome position (GRCh38, 1-based): chr7:128,848,830, A>T. VCF-style: chr7-128848830-A-T. GRCh37 (hg19) VCF-style: chr7-128488884-A-T.
Other names: c.4775A>T, p.Asp1592Val (NM_001127487.2); short protein forms D1592V.
Identifiers: ClinVar variation 2165015 (VCV002165015.4), dbSNP rs1808679952, ClinGen allele CA369203016.